The following is an entry in ClinVar:

ClinVar aggregate classification (germline): Uncertain significance (1 of 4 stars; one submission).

Conditions:
Epidermolysis bullosa simplex 5B, with muscular dystrophy (EBS5B). Also called: EPIDERMOLYSIS BULLOSA SIMPLEX AND LIMB-GIRDLE MUSCULAR DYSTROPHY; Epidermolysis bullosa simplex with muscular dystrophy. Identifiers: Orphanet 257, MedGen C2931072, MONDO:0009181, OMIM 226670.
Epidermolysis bullosa simplex 5C, with pyloric atresia (EBS5C). Also called: Epidermolysis bullosa simplex with pyloric atresia; PLEC-Related Epidermolysis Bullosa with Pyloric Atresia; PLEC1-Related Epidermolysis Bullosa with Pyloric Atresia. Identifiers: Orphanet 158684, MedGen C2677349, MONDO:0012807, OMIM 612138.
Autosomal recessive limb-girdle muscular dystrophy type 2Q (LGMDR17). Also called: MUSCULAR DYSTROPHY, LIMB-GIRDLE, AUTOSOMAL RECESSIVE 17. Identifiers: Orphanet 254361, MedGen C3150989, MONDO:0013390, OMIM 613723.
Epidermolysis bullosa simplex with nail dystrophy (EBS5D). Identifiers: MedGen C4225309, MONDO:0014661, OMIM 616487.
Epidermolysis bullosa simplex, Ogna type (EBS5A). Also called: Pidermolysis bullosa simplex 5A, Ogna type; EPIDERMOLYSIS BULLOSA SIMPLEX 5A, OGNA TYPE. Identifiers: Orphanet 79401, MedGen C0432317, MONDO:0007555, OMIM 131950.

Allele frequency attached by ClinVar (database versions not stated): gnomAD exomes below 0.00001 and 0.00001; TOPMed 0.00001.
gnomAD v4.1: 2 of 1,597,966 alleles (0.00013%); highest among the groups gnomAD compares: East Asian, 0.0045%; no homozygotes.

Submission:

Labcorp Genetics (formerly Invitae), Labcorp
Classification: Uncertain significance for Autosomal recessive limb-girdle muscular dystrophy type 2Q; Epidermolysis bullosa simplex, Ogna type; Epidermolysis bullosa simplex with nail dystrophy; Epidermolysis bullosa simplex 5C, with pyloric atresia; Epidermolysis bullosa simplex 5B, with muscular dystrophy. Last evaluated: 2025-06-01. Review status: criteria provided, single submitter. Criteria: Invitae Variant Classification Sherloc (09022015). Collection method: clinical testing. Allele origin: germline.
Comment: This sequence change replaces alanine, which is neutral and non-polar, with valine, which is neutral and non-polar, at codon 2161 of the PLEC protein (p.Ala2161Val). The frequency data for this variant in the population databases is considered unreliable, as metrics indicate poor data quality at this position in the gnomAD database. This variant has not been reported in the literature in individuals affected with PLEC-related conditions. ClinVar contains an entry for this variant (Variation ID: 1043096). An algorithm developed to predict the effect of missense changes on protein structure and function (PolyPhen-2) suggests that this variant is likely to be tolerated. In summary, the available evidence is currently insufficient to determine the role of this variant in disease. Therefore, it has been classified as a Variant of Uncertain Significance.

NM_201384.3(PLEC):c.6401C>T (p.Ala2134Val)

Gene: PLEC (plectin; minus strand). Cytogenetic location: 8q24.3.
Variant type: single nucleotide variant.
Coding change: c.6401C>T on transcript NM_201384.3 (MANE Select); coding-DNA position 6401, C replaced by T.
Protein change: p.Ala2134Val; replaces alanine 2134 with valine.
Molecular consequence: missense variant.
Genome position (GRCh38, 1-based): chr8:143,923,528, G>A on the plus strand (C>T on the coding strand, the complement: PLEC is on the minus strand). VCF-style: chr8-143923528-G-A. GRCh37 (hg19) VCF-style: chr8-144997696-G-A.
Other names: c.6482C>T, p.Ala2161Val (NM_000445.5); c.6359C>T, p.Ala2120Val (NM_201378.4); c.6335C>T, p.Ala2112Val (NM_201379.3); c.6812C>T, p.Ala2271Val (NM_201380.4); c.6305C>T, p.Ala2102Val (NM_201381.3); c.6401C>T, p.Ala2134Val (NM_201382.4); c.6413C>T, p.Ala2138Val (NM_201383.3); short protein forms A2120V, A2102V, A2134V, A2161V, A2112V, A2138V, A2271V.
Identifiers: ClinVar variation 1043096 (VCV001043096.5), dbSNP rs1554692840, ClinGen allele CA372534759.